The following is an entry in ClinVar:

ClinVar aggregate classification (germline): Uncertain significance. Review status: criteria provided, multiple submitters, no conflicts (2 of 4 stars). 6 submissions from 6 submitters: Uncertain significance (5). 1 of the submissions does not count toward it. Last evaluated 2026-01-28.

Conditions:
Ataxia-telangiectasia syndrome (AT). Also called: Ataxia telangiectasia (A-T); Ataxia-telangiectasia, complementation group D; AT, COMPLEMENTATION GROUP C; ATAXIA-TELANGIECTASIA, COMPLEMENTATION GROUP A; Ataxia-telangiectasia, complementation group E; ATAXIA-TELANGIECTASIA, FRESNO VARIANT. Identifiers: Orphanet 100, MedGen C0004135, MONDO:0008840, OMIM 208900.
Hereditary cancer-predisposing syndrome. Also called: Neoplastic Syndromes, Hereditary; Tumor predisposition; Hereditary Cancer Syndrome; Hereditary neoplastic syndrome. Identifiers: Orphanet 140162, MedGen C0027672, MeSH D009386, MONDO:0015356.
Familial cancer of breast. Also called: Hereditary breast cancer; BREAST CANCER, FAMILIAL; hereditary breast carcinoma. Identifiers: Orphanet 227535, MedGen C0346153, MONDO:0016419, OMIM 114480. Disease mechanism: loss of function.

gnomAD v4.1: 21 of 1,614,024 alleles (0.0013%); highest among the groups gnomAD compares: South Asian, 0.023%; no homozygotes.

Submissions (6):

Labcorp Genetics (formerly Invitae), Labcorp
Classification: Uncertain significance for Ataxia-telangiectasia syndrome. Last evaluated: 2026-01-28. Review status: criteria provided, single submitter. Criteria: Invitae Variant Classification Sherloc (09022015). Collection method: clinical testing. Allele origin: germline.
Comment: This sequence change replaces alanine, which is neutral and non-polar, with glutamic acid, which is acidic and polar, at codon 869 of the ATM protein (p.Ala869Glu). This variant is present in population databases (rs145513717, gnomAD 0.02%). This variant has not been reported in the literature in individuals affected with ATM-related conditions. ClinVar contains an entry for this variant (Variation ID: 566646). Invitae Evidence Modeling of protein sequence and biophysical properties (such as structural, functional, and spatial information, amino acid conservation, physicochemical variation, residue mobility, and thermodynamic stability) indicates that this missense variant is not expected to disrupt ATM protein function with a negative predictive value of 95%. In summary, the available evidence is currently insufficient to determine the role of this variant in disease. Therefore, it has been classified as a Variant of Uncertain Significance.

Women's Health and Genetics/Laboratory Corporation of America, LabCorp
Classification: Uncertain significance. Last evaluated: 2025-12-05. Review status: criteria provided, single submitter. Criteria: LabCorp Variant Classification Summary - May 2015. Collection method: clinical testing. Allele origin: germline.
Comment: Variant summary: ATM c.2606C>A (p.Ala869Glu) results in a non-conservative amino acid change in the encoded protein sequence. Algorithms developed to predict the effect of missense changes on protein structure and function are either unavailable or do not agree on the potential impact of this missense change. The variant allele was found at a frequency of 2.4e-05 in 251432 control chromosomes. The available data on variant occurrences in the general population are insufficient to allow any conclusion about variant significance. To our knowledge, no occurrence of c.2606C>A in individuals affected with ATM-related conditions and no experimental evidence demonstrating its impact on protein function have been reported. ClinVar contains an entry for this variant (Variation ID: 566646). Based on the evidence outlined above, the variant was classified as uncertain significance.

Ambry Genetics
Classification: Uncertain significance for Hereditary cancer-predisposing syndrome. Last evaluated: 2024-11-19. Review status: criteria provided, single submitter. Criteria: Ambry Variant Classification Scheme 2023. Collection method: clinical testing. Allele origin: germline.
Comment: The p.A869E variant (also known as c.2606C>A), located in coding exon 16 of the ATM gene, results from a C to A substitution at nucleotide position 2606. The alanine at codon 869 is replaced by glutamic acid, an amino acid with dissimilar properties. This amino acid position is not well conserved in available vertebrate species. In addition, this alteration is predicted to be tolerated by in silico analysis. Based on the available evidence, the clinical significance of this variant remains unclear.

Neuberg Centre For Genomic Medicine, NCGM
Classification: Uncertain significance for Familial cancer of breast. Last evaluated: 2023-07-22. Review status: criteria provided, single submitter. Criteria: ACMG Guidelines, 2015. Collection method: clinical testing. Allele origin: germline. Inheritance: Autosomal dominant inheritance. Affected: yes.
Comment: The observed missense variant c.2606C>Ap.Ala869Glu in ATM gene has not been reported previously as a pathogenic variant nor as a benign variant, to our knowledge. This variant is reported with 0.002% allele frequency in gnomAD Exomes. It has been submitted to ClinVar as Uncertain Significance multiple submissions. The amino acid Ala at position 869 is changed to a Glu changing protein sequence and it might alter its composition and physico-chemical properties. The reference amino acid p.Ala869Glu in ATM is predicted as conserved by GERP++ and PhyloP across 100 vertebrates. Multiple lines of computational evidence Polyphen-Benign, SIFT-Tolerated and Mutation Taster-polymorphism predict no damaging effect on protein structure and function for this variant. For these reasons, this variant has been classified as Uncertain Significance.

Color Diagnostics, LLC DBA Color Health
Classification: Uncertain significance for Hereditary cancer-predisposing syndrome. Last evaluated: 2019-08-22. Review status: criteria provided, single submitter. Criteria: ACMG Guidelines, 2015. Collection method: clinical testing. Allele origin: germline.
Comment: This missense variant replaces alanine with glutamic acid at codon 869 of the ATM protein. Computational prediction tools and conservation analyses suggest that this variant may not impact protein structure and function. Splice site prediction tools suggest that this variant may not impact RNA splicing. To our knowledge, functional studies have not been performed for this variant. This variant has not been reported in individuals affected with hereditary cancer in the literature. This variant has been identified in 6/251432 chromosomes in the general population by the Genome Aggregation Database (gnomAD). The available evidence is insufficient to determine the role of this variant in disease conclusively. Therefore, this variant is classified as a Variant of Uncertain Significance.

Natera, Inc.
Classification: Uncertain significance for Ataxia-telangiectasia. Last evaluated: 2021-09-21. Review status: no assertion criteria provided. Collection method: clinical testing. Allele origin: germline. Not counted in ClinVar's aggregate classification.

NM_000051.4(ATM):c.2606C>A (p.Ala869Glu)

Gene: ATM (ATM serine/threonine kinase; plus strand). Cytogenetic location: 11q22.3.
Variant type: single nucleotide variant.
Coding change: c.2606C>A on transcript NM_000051.4 (MANE Select); coding-DNA position 2606, C replaced by A.
Protein change: p.Ala869Glu; replaces alanine 869 with glutamic acid.
Molecular consequence: missense variant.
Genome position (GRCh38, 1-based): chr11:108,267,310, C>A. VCF-style: chr11-108267310-C-A. GRCh37 (hg19) VCF-style: chr11-108138037-C-A.
Other names: c.2606C>A, p.Ala869Glu (NM_001351834.2); short protein forms A869E.
Identifiers: ClinVar variation 566646 (VCV000566646.21), dbSNP rs145513717, ClinGen allele CA6265066.